The following is an entry in ClinVar:

ClinVar aggregate classification (germline): Uncertain significance (1 of 4 stars; one submission).

Submission:

Labcorp Genetics (formerly Invitae), Labcorp
Classification: Uncertain significance. Last evaluated: 2025-08-15. Review status: criteria provided, single submitter. Criteria: Invitae Variant Classification Sherloc (09022015). Collection method: clinical testing. Allele origin: germline.
Comment: This sequence change replaces valine, which is neutral and non-polar, with leucine, which is neutral and non-polar, at codon 1019 of the CACNA1E protein (p.Val1019Leu). This variant is not present in population databases (gnomAD no frequency). This variant has not been reported in the literature in individuals affected with CACNA1E-related conditions. ClinVar contains an entry for this variant (Variation ID: 3019345). Invitae Evidence Modeling of protein sequence and biophysical properties (such as structural, functional, and spatial information, amino acid conservation, physicochemical variation, residue mobility, and thermodynamic stability) indicates that this missense variant is not expected to disrupt CACNA1E protein function with a negative predictive value of 95%. In summary, the available evidence is currently insufficient to determine the role of this variant in disease. Therefore, it has been classified as a Variant of Uncertain Significance.

NM_001205293.3(CACNA1E):c.3055G>T (p.Val1019Leu)

Gene: CACNA1E (calcium voltage-gated channel subunit alpha1 E; plus strand). Cytogenetic location: 1q25.3.
Variant type: single nucleotide variant.
Coding change: c.3055G>T on transcript NM_001205293.3 (MANE Select); coding-DNA position 3055, G replaced by T.
Protein change: p.Val1019Leu; replaces valine 1019 with leucine.
Molecular consequence: missense variant.
Genome position (GRCh38, 1-based): chr1:181,733,543, G>T. VCF-style: chr1-181733543-G-T. GRCh37 (hg19) VCF-style: chr1-181702679-G-T.
Other names: c.3055G>T, p.Val1019Leu (NM_000721.4); c.2998G>T, p.Val1000Leu (NM_001205294.2); short protein forms V1019L, V1000L.
Identifiers: ClinVar variation 3019345 (VCV003019345.3), dbSNP rs547399351, ClinGen allele CA343620786.